The following is an entry in ClinVar:

ClinVar aggregate classification (germline): Pathogenic. Review status: criteria provided, multiple submitters, no conflicts (2 of 4 stars). 2 submissions from 2 submitters: Pathogenic (2). Last evaluated 2025-08-15.

Conditions:
Marfan syndrome (MFS). Also called: Marfan's syndrome; Marfan syndrome, classic; MARFAN SYNDROME, TYPE I; Marfan syndrome type 1; FBN1-Related Marfan Syndrome. Identifiers: Orphanet 284963, Orphanet 558, MedGen C0024796, MONDO:0007947, OMIM 154700.
Familial thoracic aortic aneurysm and aortic dissection (TAAD). Also called: Thoracic aortic aneurysms and dissections. Identifiers: Orphanet 91387, MedGen C4707243, MONDO:0019625.

gnomAD v4.1: 1 of 1,614,226 alleles (0.000062%); no homozygotes.

Submissions (2):

Ambry Genetics
Classification: Pathogenic for Familial thoracic aortic aneurysm and aortic dissection. Last evaluated: 2025-08-15. Review status: criteria provided, single submitter. Criteria: Ambry Variant Classification Scheme 2023. Collection method: clinical testing. Allele origin: germline.
Comment: The p.Y2629C pathogenic mutation (also known as c.7886A>G), located in coding exon 63 of the FBN1 gene, results from an A to G substitution at nucleotide position 7886. The tyrosine at codon 2629 is replaced by cysteine, an amino acid with highly dissimilar properties. This variant was reported in individual(s) with features consistent with Marfan syndrome and related fibrillinopathies; in at least one individual, it was determined to be de novo (Arbustini E et al. Hum Mutat, 2005 Nov;26:494; Tjeldhorn L et al. Genet Test, 2006;10:258-64; Vanem TT et al. Am J Med Genet A, 2020 02;182:397-408; Ambry internal data). The majority of FBN1 mutations identified to date have involved the substitution or generation of cysteine residues within cbEGF domains (Vollbrandt T et al. J Biol Chem. 2004;279(31):32924-32931). This amino acid position is not well conserved in available vertebrate species. In addition, this alteration is predicted to be deleterious by in silico analysis. This variant is considered to be rare based on population cohorts in the Genome Aggregation Database (gnomAD). Based on the supporting evidence, this variant is interpreted as a disease-causing mutation.

Labcorp Genetics (formerly Invitae), Labcorp
Classification: Pathogenic for Marfan syndrome; Familial thoracic aortic aneurysm and aortic dissection. Last evaluated: 2024-05-02. Review status: criteria provided, single submitter. Criteria: Invitae Variant Classification Sherloc (09022015). Collection method: clinical testing. Allele origin: germline.
Comment: This sequence change replaces tyrosine, which is neutral and polar, with cysteine, which is neutral and slightly polar, at codon 2629 of the FBN1 protein (p.Tyr2629Cys). This variant is not present in population databases (gnomAD no frequency). This missense change has been observed in individual(s) with Marfan syndrome (PMID: 16222657, 31825148). ClinVar contains an entry for this variant (Variation ID: 1761019). Advanced modeling of protein sequence and biophysical properties (such as structural, functional, and spatial information, amino acid conservation, physicochemical variation, residue mobility, and thermodynamic stability) performed at Invitae indicates that this missense variant is expected to disrupt FBN1 protein function with a positive predictive value of 95%. For these reasons, this variant has been classified as Pathogenic.

Literature cited by the submitters: PubMed 16222657 (cited by Ambry Genetics and Labcorp Genetics (formerly Invitae), Labcorp); PubMed 17253931 (cited by Ambry Genetics); PubMed 17663468 (cited by Ambry Genetics); PubMed 31825148 (cited by Ambry Genetics and Labcorp Genetics (formerly Invitae), Labcorp); PubMed 8653794 (cited by Ambry Genetics).

NM_000138.5(FBN1):c.7886A>G (p.Tyr2629Cys)

Gene: FBN1 (fibrillin 1; minus strand). Cytogenetic location: 15q21.1.
Variant type: single nucleotide variant.
Coding change: c.7886A>G on transcript NM_000138.5 (MANE Select); coding-DNA position 7886, A replaced by G.
Protein change: p.Tyr2629Cys; replaces tyrosine 2629 with cysteine.
Molecular consequence: missense variant.
Genome position (GRCh38, 1-based): chr15:48,415,701, T>C on the plus strand (A>G on the coding strand, the complement: FBN1 is on the minus strand). VCF-style: chr15-48415701-T-C. GRCh37 (hg19) VCF-style: chr15-48707898-T-C.
Other names: c.7886A>G, p.Tyr2629Cys (NM_001406716.1); short protein forms Y2629C.
Identifiers: ClinVar variation 1761019 (VCV001761019.5), dbSNP rs2505383886, ClinGen allele CA392323298.